The following is an entry in ClinVar:

ClinVar aggregate classification (germline): Conflicting classifications of pathogenicity. Review status: criteria provided, conflicting classifications (1 of 4 stars). 2 submissions from 2 submitters: Uncertain significance (1); Likely benign (1). Last evaluated 2025-12-22.

Conditions:
Hereditary cancer-predisposing syndrome. Also called: Tumor predisposition; Hereditary Cancer Syndrome; Hereditary neoplastic syndrome; Neoplastic Syndromes, Hereditary. Identifiers: Orphanet 140162, MedGen C0027672, MeSH D009386, MONDO:0015356.
Hereditary diffuse gastric adenocarcinoma (HDGC). Also called: DIFFUSE GASTRIC AND LOBULAR BREAST CANCER SYNDROME. Identifiers: Orphanet 26106, MedGen C1708349, MONDO:0007648, OMIM 137215.

Submissions (2):

Ambry Genetics
Classification: Likely benign for Hereditary cancer-predisposing syndrome. Last evaluated: 2025-12-22. Review status: criteria provided, single submitter. Criteria: Ambry Variant Classification Scheme 2023. Collection method: clinical testing. Allele origin: germline.

Labcorp Genetics (formerly Invitae), Labcorp
Classification: Uncertain significance for Hereditary diffuse gastric adenocarcinoma. Last evaluated: 2023-07-15. Review status: criteria provided, single submitter. Criteria: Invitae Variant Classification Sherloc (09022015). Collection method: clinical testing. Allele origin: germline.
Comment: In summary, the available evidence is currently insufficient to determine the role of this variant in disease. Therefore, it has been classified as a Variant of Uncertain Significance. An algorithm developed to predict the effect of missense changes on protein structure and function (PolyPhen-2) suggests that this variant is likely to be tolerated. ClinVar contains an entry for this variant (Variation ID: 1734615). This variant has not been reported in the literature in individuals affected with CDH1-related conditions. This variant is not present in population databases (gnomAD no frequency). This sequence change replaces proline, which is neutral and non-polar, with alanine, which is neutral and non-polar, at codon 385 of the CDH1 protein (p.Pro385Ala).

NM_004360.5(CDH1):c.1153C>G (p.Pro385Ala)

Gene: CDH1 (cadherin 1; plus strand). Cytogenetic location: 16q22.1.
Variant type: single nucleotide variant.
Coding change: c.1153C>G on transcript NM_004360.5 (MANE Select); coding-DNA position 1153, C replaced by G.
Protein change: p.Pro385Ala; replaces proline 385 with alanine.
Molecular consequence: missense variant. On other transcripts: 5 prime UTR variant (2), intron variant (1).
Genome position (GRCh38, 1-based): chr16:68,813,328, C>G. VCF-style: chr16-68813328-C-G. GRCh37 (hg19) VCF-style: chr16-68847231-C-G.
Other names: c.-463C>G (NM_001317185.2); c.-667C>G (NM_001317186.2); c.1137+1065C>G (NM_001317184.2); short protein forms P385A.
Identifiers: ClinVar variation 1734615 (VCV001734615.6), dbSNP rs587781612, ClinGen allele CA396461058.